The following is an entry in ClinVar:

ClinVar aggregate classification (germline): Uncertain significance (1 of 4 stars; one submission).

gnomAD v4.1: 41 of 1,613,796 alleles (0.0025%); highest among the groups gnomAD compares: Non-Finnish European, 0.0031%; no homozygotes.

Submission:

Mayo Clinic Laboratories, Mayo Clinic
Classification: Uncertain significance. Last evaluated: 2023-07-31. Review status: criteria provided, single submitter. Criteria: ACMG Guidelines, 2015. Collection method: clinical testing. Allele origin: germline. Observed: 1 variant allele.
Comment: BP4

NM_015378.4(VPS13D):c.11563A>G (p.Thr3855Ala)

Gene: VPS13D (vacuolar protein sorting 13 homolog D; plus strand). Cytogenetic location: 1p36.22.
Variant type: single nucleotide variant.
Coding change: c.11563A>G on transcript NM_015378.4 (MANE Select); coding-DNA position 11563, A replaced by G.
Protein change: p.Thr3855Ala; replaces threonine 3855 with alanine.
Molecular consequence: missense variant.
Genome position (GRCh38, 1-based): chr1:12,386,263, A>G. VCF-style: chr1-12386263-A-G. GRCh37 (hg19) VCF-style: chr1-12446322-A-G.
Other names: p.Thr3855Ala; c.11488A>G, p.Thr3830Ala (NM_018156.4); short protein forms T3830A, T3855A.
Identifiers: ClinVar variation 3379380 (VCV003379380.1).
Genomic context (GRCh38, chr1:12,386,263, plus strand): 5'-GGTGGAATTGGGTTGTCCTTAATTAATAAAGTCCCAGAAGAACTGGTCTTTGCAAGTCTT[A>G]CAGGAATCAATGTGCACTATACACAGCTGGCAACCAGTCACATGCTTGAACTCAGCATAC-3'
Protein context (NP_056193.2, residues 3845-3865): VPEELVFASL[Thr3855Ala]GINVHYTQLA